The following is an entry in ClinVar:

ClinVar aggregate classification (germline): Likely benign. Review status: criteria provided, multiple submitters, no conflicts (2 of 4 stars). 7 submissions from 7 submitters: Likely benign (5). 2 of the submissions do not count toward it. Last evaluated 2026-05-13.

Conditions:
Cardiovascular phenotype. Identifiers: MedGen CN230736.
EPHB4-related disorder. Also called: EPHB4-related condition; EPHB4-related disorders.

Allele frequency attached by ClinVar (database versions not stated): ESP Exome Variant Server 0.00015; 1000 Genomes Project 30x 0.00016; 1000 Genomes Project 0.00020; gnomAD exomes 0.00027 and 0.00030; gnomAD 0.00031 and 0.00033; ExAC 0.00036.

Submissions (7):

PreventionGenetics, part of Exact Sciences
Classification: Likely benign for EPHB4-related condition. Last evaluated: 2026-05-13. Review status: criteria provided, single submitter. Criteria: ACMG Guidelines, 2015. Collection method: clinical testing. Allele origin: germline.
Comment: This variant is classified as likely benign based on ACMG/AMP sequence variant interpretation guidelines (Richards et al. 2015 PMID: 25741868, with internal and published modifications).

Labcorp Genetics (formerly Invitae), Labcorp
Classification: Likely benign. Last evaluated: 2025-12-23. Review status: criteria provided, single submitter. Criteria: Invitae Variant Classification Sherloc (09022015). Collection method: clinical testing. Allele origin: germline.

Mayo Clinic Laboratories, Mayo Clinic
Classification: Likely benign. Last evaluated: 2025-04-08. Review status: criteria provided, single submitter. Criteria: ACMG Guidelines, 2015. Collection method: clinical testing. Allele origin: germline. Observed: 1 variant allele.
Comment: BS1, BP4_moderate

Blueprint Genetics
Classification: Likely benign. Last evaluated: 2024-11-22. Review status: criteria provided, single submitter. Criteria: ACMG Guidelines, 2015. Collection method: clinical testing. Allele origin: germline.

Ambry Genetics
Classification: Likely benign for Cardiovascular phenotype. Last evaluated: 2022-01-26. Review status: criteria provided, single submitter. Criteria: Ambry Variant Classification Scheme 2023. Collection method: clinical testing. Allele origin: germline.

Clinical Genetics DNA and cytogenetics Diagnostics Lab, Erasmus MC, Erasmus Medical Center
Classification: Likely benign. Review status: no assertion criteria provided. Collection method: clinical testing. Allele origin: germline. Affected: yes. Study: VKGL Data-share Consensus. Not counted in ClinVar's aggregate classification.

Diagnostic Laboratory, Department of Genetics, University Medical Center Groningen
Classification: Likely benign. Review status: no assertion criteria provided. Collection method: clinical testing. Allele origin: germline. Affected: yes. Study: VKGL Data-share Consensus. Not counted in ClinVar's aggregate classification.

NM_004444.5(EPHB4):c.337G>A (p.Val113Ile)

Gene: EPHB4 (EPH receptor B4; minus strand). Cytogenetic location: 7q22.1.
Variant type: single nucleotide variant.
Coding change: c.337G>A on transcript NM_004444.5 (MANE Select); coding-DNA position 337, G replaced by A.
Protein change: p.Val113Ile; replaces valine 113 with isoleucine.
Molecular consequence: missense variant.
Genome position (GRCh38, 1-based): chr7:100,823,718, C>T on the plus strand (G>A on the coding strand, the complement: EPHB4 is on the minus strand). VCF-style: chr7-100823718-C-T. GRCh37 (hg19) VCF-style: chr7-100421340-C-T.
Other names: p.Val113Ile; c.337G>A (NM_004444.4); short protein forms V113I.
Identifiers: ClinVar variation 1174758 (VCV001174758.14), dbSNP rs55866373, ClinGen allele CA4393335.